The following is an entry in ClinVar:

ClinVar aggregate classification (germline): Uncertain significance (1 of 4 stars; one submission).

Allele frequency attached by ClinVar (database versions not stated): gnomAD exomes below 0.00001.
gnomAD v4.1: 1 of 1,612,096 alleles (0.000062%); highest among the groups gnomAD compares: Admixed American, 0.0017%; no homozygotes.

Submission:

Labcorp Genetics (formerly Invitae), Labcorp
Classification: Uncertain significance. Last evaluated: 2022-04-28. Review status: criteria provided, single submitter. Criteria: Invitae Variant Classification Sherloc (09022015). Collection method: clinical testing. Allele origin: germline.
Comment: This sequence change replaces threonine, which is neutral and polar, with isoleucine, which is neutral and non-polar, at codon 478 of the DSG1 protein (p.Thr478Ile). This variant is not present in population databases (gnomAD no frequency). This variant has not been reported in the literature in individuals affected with DSG1-related conditions. Algorithms developed to predict the effect of missense changes on protein structure and function are either unavailable or do not agree on the potential impact of this missense change (SIFT: "Deleterious"; PolyPhen-2: "Possibly Damaging"; Align-GVGD: "Class C0"). In summary, the available evidence is currently insufficient to determine the role of this variant in disease. Therefore, it has been classified as a Variant of Uncertain Significance.

NM_001942.4(DSG1):c.1433C>T (p.Thr478Ile)

Gene: DSG1 (desmoglein 1; plus strand). Cytogenetic location: 18q12.1.
Variant type: single nucleotide variant.
Coding change: c.1433C>T on transcript NM_001942.4 (MANE Select); coding-DNA position 1433, C replaced by T.
Protein change: p.Thr478Ile; replaces threonine 478 with isoleucine.
Molecular consequence: missense variant.
Genome position (GRCh38, 1-based): chr18:31,339,771, C>T. VCF-style: chr18-31339771-C-T. GRCh37 (hg19) VCF-style: chr18-28919734-C-T.
Other names: short protein forms T478I.
Identifiers: ClinVar variation 2179268 (VCV002179268.4), dbSNP rs2510836171, ClinGen allele CA402137034.